The following is an entry in ClinVar:

NM_000393.5(COL5A2):c.383G>C (p.Arg128Pro)

Gene: COL5A2 (collagen type V alpha 2 chain; minus strand). Cytogenetic location: 2q32.2.
Variant type: single nucleotide variant.
Coding change: c.383G>C on transcript NM_000393.5 (MANE Select); coding-DNA position 383, G replaced by C.
Protein change: p.Arg128Pro; replaces arginine 128 with proline.
Molecular consequence: missense variant.
Genome position (GRCh38, 1-based): chr2:189,098,746, C>G on the plus strand (G>C on the coding strand, the complement: COL5A2 is on the minus strand). VCF-style: chr2-189098746-C-G. GRCh37 (hg19) VCF-style: chr2-189963472-C-G.
Other names: p.Arg128Pro; short protein forms R128P.
Identifiers: ClinVar variation 3670092 (VCV003670092.3).

ClinVar aggregate classification (germline): Uncertain significance. Review status: criteria provided, multiple submitters, no conflicts (2 of 4 stars). 2 submissions from 2 submitters: Uncertain significance (2). Last evaluated 2025-12-12.

Conditions:
Ehlers-Danlos syndrome, classic type, 1 (EDSCL1). Also called: EHLERS-DANLOS SYNDROME, GRAVIS TYPE; EHLERS-DANLOS SYNDROME, SEVERE CLASSIC TYPE; Ehlers-Danlos syndrome, type 1; Ehlers-Danlos Syndrome, Classic Type, COL5A1-Related; EDS I. Identifiers: MedGen C0268335, MONDO:0019567, OMIM 130000.

gnomAD v4.1: 1 of 1,612,956 alleles (0.000062%); highest among the groups gnomAD compares: Non-Finnish European, 0.000085%; no homozygotes.

Submissions (2):

Mayo Clinic Laboratories, Mayo Clinic
Classification: Uncertain significance. Last evaluated: 2025-12-12. Review status: criteria provided, single submitter. Criteria: ACMG Guidelines, 2015. Collection method: clinical testing. Allele origin: germline. Observed: 1 variant allele.
Comment: PM2_supporting

Labcorp Genetics (formerly Invitae), Labcorp
Classification: Uncertain significance for Ehlers-Danlos syndrome, classic type, 1. Last evaluated: 2024-02-11. Review status: criteria provided, single submitter. Criteria: Invitae Variant Classification Sherloc (09022015). Collection method: clinical testing. Allele origin: germline.
Comment: This sequence change replaces arginine, which is basic and polar, with proline, which is neutral and non-polar, at codon 128 of the COL5A2 protein (p.Arg128Pro). This variant is not present in population databases (gnomAD no frequency). This variant has not been reported in the literature in individuals affected with COL5A2-related conditions. Advanced modeling of protein sequence and biophysical properties (such as structural, functional, and spatial information, amino acid conservation, physicochemical variation, residue mobility, and thermodynamic stability) performed at Invitae indicates that this missense variant is not expected to disrupt COL5A2 protein function with a negative predictive value of 80%. In summary, the available evidence is currently insufficient to determine the role of this variant in disease. Therefore, it has been classified as a Variant of Uncertain Significance.